The following is an entry in ClinVar:

NM_003482.4(KMT2D):c.5967G>T (p.Thr1989=)

Gene: KMT2D (lysine methyltransferase 2D; minus strand). Cytogenetic location: 12q13.12.
Variant type: single nucleotide variant.
Coding change: c.5967G>T on transcript NM_003482.4 (MANE Select); coding-DNA position 5967, G replaced by T.
Protein change: p.Thr1989=; no amino-acid change (threonine 1989 retained).
Molecular consequence: synonymous variant.
Genome position (GRCh38, 1-based): chr12:49,042,231, C>A on the plus strand (G>T on the coding strand, the complement: KMT2D is on the minus strand). VCF-style: chr12-49042231-C-A. GRCh37 (hg19) VCF-style: chr12-49436014-C-A.
Other names: c.5967G>T (NM_003482.3).
Identifiers: ClinVar variation 1576184 (VCV001576184.10), dbSNP rs199555915, ClinGen allele CA6547389.

ClinVar aggregate classification (germline): Likely benign. Review status: criteria provided, single submitter (1 of 4 stars). 2 submissions from 2 submitters: Likely benign (1). 1 of the submissions does not count toward it. Last evaluated 2022-11-01.

Conditions:
KMT2D-related disorder. Also called: KMT2D-Related Disorders.
Kabuki syndrome. Also called: NIIKAWA-KUROKI SYNDROME; Kabuki make-up syndrome. Identifiers: Orphanet 2322, MedGen C0796004, MONDO:0016512.

gnomAD v4.1: 7 of 1,594,868 alleles (0.00044%); highest among the groups gnomAD compares: Non-Finnish European, 0.00051%; no homozygotes.

Submissions (2):

Labcorp Genetics (formerly Invitae), Labcorp
Classification: Likely benign for Kabuki syndrome. Last evaluated: 2022-11-01. Review status: criteria provided, single submitter. Criteria: Invitae Variant Classification Sherloc (09022015). Collection method: clinical testing. Allele origin: germline.

PreventionGenetics, part of Exact Sciences
Classification: Likely benign for KMT2D-related condition. Last evaluated: 2019-05-14. Review status: no assertion criteria provided. Collection method: clinical testing. Allele origin: germline. Not counted in ClinVar's aggregate classification.
Comment: This variant is classified as likely benign based on ACMG/AMP sequence variant interpretation guidelines (Richards et al. 2015 PMID: 25741868, with internal and published modifications).